The following is an entry in ClinVar:

NM_001375524.1(TRRAP):c.10786C>T (p.Arg3596Cys)

Gene: TRRAP (transformation/transcription domain associated protein; plus strand). Cytogenetic location: 7q22.1.
Variant type: single nucleotide variant.
Coding change: c.10786C>T on transcript NM_001375524.1 (MANE Select); coding-DNA position 10786, C replaced by T.
Protein change: p.Arg3596Cys; replaces arginine 3596 with cysteine.
Molecular consequence: missense variant.
Genome position (GRCh38, 1-based): chr7:99,008,409, C>T. VCF-style: chr7-99008409-C-T. GRCh37 (hg19) VCF-style: chr7-98606032-C-T.
Other names: c.10744C>T, p.Arg3582Cys (NM_001244580.2); c.10657C>T, p.Arg3553Cys (NM_003496.4); short protein forms R3553C, R3582C, R3596C.
Identifiers: ClinVar variation 4080609 (VCV004080609.2).

ClinVar aggregate classification (germline): Uncertain significance. Review status: criteria provided, multiple submitters, no conflicts (2 of 4 stars). 2 submissions from 2 submitters: Uncertain significance (2). Last evaluated 2026-03-03.

gnomAD v4.1: 1 of 1,614,194 alleles (0.000062%); highest among the groups gnomAD compares: African/African-American, 0.0013%; no homozygotes.

Submissions (2):

GeneDx
Classification: Uncertain significance. Last evaluated: 2026-03-03. Review status: criteria provided, single submitter. Criteria: GeneDx Variant Classification Process June 2021. Collection method: clinical testing. Allele origin: germline.
Comment: Not observed at significant frequency in large population cohorts (gnomAD); In silico analysis supports that this missense variant has a deleterious effect on protein structure/function; Has not been previously published as pathogenic or benign to our knowledge

Revvity Omics, Revvity
Classification: Uncertain significance. Last evaluated: 2025-05-14. Review status: criteria provided, single submitter. Criteria: ACMG Guidelines, 2015. Collection method: clinical testing. Allele origin: germline.